The following is an entry in ClinVar:

NM_018699.4(PRDM5):c.1258_1259del (p.Gln420fs)

Gene: PRDM5 (PR/SET domain 5; minus strand). Cytogenetic location: 4q27.
Variant type: Deletion.
Coding change: c.1258_1259del on transcript NM_018699.4 (MANE Select); coding-DNA positions 1258 to 1259, 2 bases deleted (CA; older notation c.1258_1259delCA).
Protein change: p.Gln420fs; shifts the reading frame from glutamine 420.
Molecular consequence: frameshift variant.
Genome position (GRCh38, 1-based): chr4:120,785,021-120,785,022, TG deleted on the plus strand (CA on the coding strand, the reverse complement: PRDM5 is on the minus strand); deleting any 2 consecutive bases within chr4:120,785,021-120,785,023 gives the same sequence; the c. name uses the placement nearest the transcript's 3' end. VCF-style (leftmost placement, unchanged base first): chr4-120785020-CTG-C. GRCh37 (hg19) VCF-style: chr4-121706175-CTG-C.
Other names: c.1165_1166del, p.Gln389fs (NM_001379106.1, NM_001300823.2, NM_001300824.2); c.1291_1292del, p.Gln431fs (NM_001379104.1); short protein forms Q389fs, Q420fs, Q431fs.
Identifiers: ClinVar variation 3604168 (VCV003604168.2).

ClinVar aggregate classification (germline): Pathogenic (1 of 4 stars; one submission).

Submission:

Labcorp Genetics (formerly Invitae), Labcorp
Classification: Pathogenic. Last evaluated: 2026-01-17. Review status: criteria provided, single submitter. Criteria: Invitae Variant Classification Sherloc (09022015). Collection method: clinical testing. Allele origin: germline.
Comment: This sequence change creates a premature translational stop signal (p.Gln420Glufs*7) in the PRDM5 gene. It is expected to result in an absent or disrupted protein product. Loss-of-function variants in PRDM5 are known to be pathogenic (PMID: 21664999, 26395458). This variant is not present in population databases (gnomAD no frequency). This variant has not been reported in the literature in individuals affected with PRDM5-related conditions. ClinVar contains an entry for this variant (Variation ID: 3604168). For these reasons, this variant has been classified as Pathogenic.

Literature cited by the submitters: PubMed 21664999; PubMed 26395458.